The following is an entry in ClinVar:

NM_000070.3(CAPN3):c.632+1del

Gene: CAPN3 (calpain 3; plus strand). Cytogenetic location: 15q15.1.
Variant type: Deletion.
Coding change: c.632+1del on transcript NM_000070.3 (MANE Select); the canonical splice donor site of the intron after coding-DNA position 632, one base deleted (G; older notation c.632+1delG).
Molecular consequence: splice donor variant.
Genome position (GRCh38, 1-based): chr15:42,387,887, G deleted. VCF-style (leftmost placement, unchanged base first): chr15-42387886-AG-A. GRCh37 (hg19) VCF-style: chr15-42680084-AG-A.
Other names: c.632+1del (NM_024344.2, NM_173087.2).
Identifiers: ClinVar variation 571979 (VCV000571979.7), dbSNP rs1566975163, ClinGen allele CA891844312.
Genomic context (GRCh38, chr15:42,387,886, plus strand): 5'-TCACCAAGTCCAACCACCGCAATGAGTTCTGGAGTGCTCTGCTGGAGAAGGCTTATGCTA[AG>A]TAAGCAACACTTTAGAATGTGAGGTGGGGCTAGAGGTGAGAAAGTGGGTTGCAAAATCCA-3'

ClinVar aggregate classification (germline): Likely pathogenic (1 of 4 stars; one submission).

Conditions:
Autosomal recessive limb-girdle muscular dystrophy type 2A (LGMDR1). Also called: Calpainopathy; Limb-girdle muscular dystrophy, type 2A; LEYDEN-MOEBIUS MUSCULAR DYSTROPHY; MUSCULAR DYSTROPHY, PELVOFEMORAL; Muscular dystrophy, limb-girdle, type 2A, Amish. Identifiers: Orphanet 267, MedGen C1869123, MONDO:0009675, OMIM 253600. Disease mechanism: loss of function.

Submission:

Labcorp Genetics (formerly Invitae), Labcorp
Classification: Likely pathogenic for Autosomal recessive limb-girdle muscular dystrophy type 2A. Last evaluated: 2017-09-15. Review status: criteria provided, single submitter. Criteria: Invitae Variant Classification Sherloc (09022015). Collection method: clinical testing. Allele origin: germline.
Comment: In summary, the currently available evidence indicates that the variant is pathogenic, but additional data are needed to prove that conclusively. Therefore, this variant has been classified as Likely Pathogenic. Donor and acceptor splice site variants typically lead to a loss of protein function (PMID: 16199547), and loss-of-function variants in CAPN3 are known to be pathogenic (PMID: 10330340, 15689361). Algorithms developed to predict the effect of sequence changes on RNA splicing suggest that this variant may disrupt the consensus splice site, but this prediction has not been confirmed by published transcriptional studies. This variant has not been reported in the literature in individuals with CAPN3-related disease. This variant is not present in population databases (ExAC no frequency). This sequence change affects a donor splice site in intron 4 of the CAPN3 gene. It is expected to disrupt RNA splicing and likely results in an absent or disrupted protein product.

Literature cited by the submitters: PubMed 16199547; PubMed 10330340; PubMed 15689361.